The following is an entry in ClinVar:

ClinVar aggregate classification (germline): Benign/Likely benign. Review status: criteria provided, multiple submitters, no conflicts (2 of 4 stars). 5 submissions from 5 submitters: Benign (4); Likely benign (1). Last evaluated 2026-08-01.

Allele frequency attached by ClinVar (database versions not stated): gnomAD exomes 0.00085; ExAC 0.00117; 1000 Genomes Project 0.00260; 1000 Genomes Project 30x 0.00297; ESP Exome Variant Server 0.00377; gnomAD 0.00425 and 0.00459; TOPMed 0.00429.
gnomAD v4.1: 1,203 of 1,595,034 alleles (0.075%); highest among the groups gnomAD compares: African/African-American, 1.5%; 12 homozygotes.

Submissions (5):

CeGaT Center for Human Genetics Tuebingen
Classification: Benign. Last evaluated: 2026-08-01. Review status: criteria provided, single submitter. Criteria: CeGaT Center For Human Genetics Tuebingen Variant Classification Criteria Version 2. Collection method: clinical testing. Allele origin: germline. Affected: yes. Observed: 1 variant allele.
Comment: PAX5: BS1, BS2

Labcorp Genetics (formerly Invitae), Labcorp
Classification: Benign. Last evaluated: 2026-01-12. Review status: criteria provided, single submitter. Criteria: Invitae Variant Classification Sherloc (09022015). Collection method: clinical testing. Allele origin: germline.

Blueprint Genetics
Classification: Likely benign. Last evaluated: 2024-10-24. Review status: criteria provided, single submitter. Criteria: ACMG Guidelines, 2015. Collection method: clinical testing. Allele origin: germline.

Genetic Services Laboratory, University of Chicago
Classification: Benign. Last evaluated: 2016-11-14. Review status: criteria provided, single submitter. Criteria: ACMG Guidelines, 2015. Collection method: clinical testing. Allele origin: germline. Affected: no.

Breakthrough Genomics
Classification: Benign. Review status: criteria provided, single submitter. Criteria: ACMG Guidelines, 2015. Collection method: not provided. Allele origin: germline. Inheritance: Unknown mechanism. Affected: yes.

NM_016734.3(PAX5):c.923C>T (p.Ala308Val)

Gene: PAX5 (paired box 5; minus strand). Cytogenetic location: 9p13.2.
Variant type: single nucleotide variant.
Coding change: c.923C>T on transcript NM_016734.3 (MANE Select); coding-DNA position 923, C replaced by T.
Protein change: p.Ala308Val; replaces alanine 308 with valine.
Molecular consequence: missense variant. On other transcripts: non-coding transcript variant (2), intron variant (6).
Genome position (GRCh38, 1-based): chr9:36,882,093, G>A on the plus strand (C>T on the coding strand, the complement: PAX5 is on the minus strand). VCF-style: chr9-36882093-G-A. GRCh37 (hg19) VCF-style: chr9-36882090-G-A.
Other names: c.923C>T, p.Ala308Val (NM_001280548.2); c.794C>T, p.Ala265Val (NM_001280553.2, NM_001280554.2); c.599C>T, p.Ala200Val (NM_001280556.2); c.586+41262C>T (NM_001280551.2); c.713-35164C>T (NM_001280555.2); c.781-41457C>T (NM_001280550.2); c.781-35164C>T (NM_001280549.2); c.910+41262C>T (NM_001280552.2); and 1 more; short protein forms A308V, A200V, A265V.
Identifiers: ClinVar variation 436163 (VCV000436163.16), dbSNP rs35077960, ClinGen allele CA5058115.